The following is an entry in ClinVar:

NM_000093.5(COL5A1):c.4990A>G (p.Arg1664Gly)

Genes: COL5A1 (collagen type V alpha 1 chain; plus strand), LOC101448202 (uncharacterized LOC101448202; minus strand). Cytogenetic location: 9q34.3.
Variant type: single nucleotide variant.
Coding change: c.4990A>G on transcript NM_000093.5 (MANE Select); coding-DNA position 4990, A replaced by G.
Protein change: p.Arg1664Gly; replaces arginine 1664 with glycine.
Molecular consequence: missense variant.
Genome position (GRCh38, 1-based): chr9:134,825,827, A>G. VCF-style: chr9-134825827-A-G. GRCh37 (hg19) VCF-style: chr9-137717673-A-G.
Other names: p.Arg1664Gly; c.4990A>G, p.Arg1664Gly (NM_001278074.1); c.4990A>G (NM_000093.3); short protein forms R1664G.
Identifiers: ClinVar variation 647746 (VCV000647746.12), dbSNP rs1588599794, ClinGen allele CA375458896.

ClinVar aggregate classification (germline): Uncertain significance. Review status: criteria provided, multiple submitters, no conflicts (2 of 4 stars). 4 submissions from 4 submitters: Uncertain significance (4). Last evaluated 2026-07-09.

Conditions:
Ehlers-Danlos syndrome, classic type, 1 (EDSCL1). Also called: EHLERS-DANLOS SYNDROME, GRAVIS TYPE; EHLERS-DANLOS SYNDROME, SEVERE CLASSIC TYPE; Ehlers-Danlos Syndrome, Classic Type, COL5A1-Related; EDS I; Ehlers-Danlos syndrome, type 1. Identifiers: MedGen C0268335, MONDO:0019567, OMIM 130000.
Familial thoracic aortic aneurysm and aortic dissection (TAAD). Also called: Thoracic aortic aneurysms and dissections. Identifiers: Orphanet 91387, MedGen C4707243, MONDO:0019625.

Allele frequency attached by ClinVar (database versions not stated): gnomAD exomes below 0.00001.
gnomAD v4.1: 6 of 1,613,056 alleles (0.00037%); highest among the groups gnomAD compares: Non-Finnish European, 0.00051%; no homozygotes.

Submissions (4):

Ambry Genetics
Classification: Uncertain significance for Familial thoracic aortic aneurysm and aortic dissection. Last evaluated: 2026-07-09. Review status: criteria provided, single submitter. Criteria: Ambry Variant Classification Scheme 2023. Collection method: clinical testing. Allele origin: germline.
Comment: The p.R1664G variant (also known as c.4990A>G), located in coding exon 63 of the COL5A1 gene, results from an A to G substitution at nucleotide position 4990. The arginine at codon 1664 is replaced by glycine, an amino acid with dissimilar properties. This amino acid position is conserved. In addition, this alteration is predicted to be tolerated by in silico analysis. Based on the available evidence, the clinical significance of this variant remains unclear.

Mayo Clinic Laboratories, Mayo Clinic
Classification: Uncertain significance. Last evaluated: 2025-01-19. Review status: criteria provided, single submitter. Criteria: ACMG Guidelines, 2015. Collection method: clinical testing. Allele origin: germline. Observed: 1 variant allele.
Comment: PM2_supporting

ARUP Laboratories, Molecular Genetics and Genomics, ARUP Laboratories
Classification: Uncertain significance. Last evaluated: 2024-11-27. Review status: criteria provided, single submitter. Criteria: ARUP Molecular Germline Variant Investigation Process 2024. Collection method: clinical testing. Allele origin: germline.
Comment: The COL5A1 c.4990A>G; p.Arg1664Gly variant (rs1588599794), to our knowledge, is not reported in the medical literature but is reported in ClinVar (Variation ID: 647746). This variant is absent from the Genome Aggregation Database (v2.1.1), indicating it is not a common polymorphism. Computational analyses are uncertain whether this variant is neutral or deleterious (REVEL: 0.318). Due to limited information, the clinical significance of this variant is uncertain at this time.

Labcorp Genetics (formerly Invitae), Labcorp
Classification: Uncertain significance for Ehlers-Danlos syndrome, classic type, 1. Last evaluated: 2022-09-07. Review status: criteria provided, single submitter. Criteria: Invitae Variant Classification Sherloc (09022015). Collection method: clinical testing. Allele origin: germline.
Comment: ClinVar contains an entry for this variant (Variation ID: 647746). In summary, the available evidence is currently insufficient to determine the role of this variant in disease. Therefore, it has been classified as a Variant of Uncertain Significance. Advanced modeling of protein sequence and biophysical properties (such as structural, functional, and spatial information, amino acid conservation, physicochemical variation, residue mobility, and thermodynamic stability) performed at Invitae indicates that this missense variant is not expected to disrupt COL5A1 protein function. This variant has not been reported in the literature in individuals affected with COL5A1-related conditions. This variant is not present in population databases (gnomAD no frequency). This sequence change replaces arginine, which is basic and polar, with glycine, which is neutral and non-polar, at codon 1664 of the COL5A1 protein (p.Arg1664Gly).